The following is an entry in ClinVar:

ClinVar aggregate classification (germline): Uncertain significance. Review status: criteria provided, multiple submitters, no conflicts (2 of 4 stars). 3 submissions from 3 submitters: Uncertain significance (3). Last evaluated 2026-08-31.

Conditions:
Cardiovascular phenotype. Identifiers: MedGen CN230736.
Dilated cardiomyopathy 1JJ (CMD1JJ). Identifiers: Orphanet 154, MedGen C3808935, MONDO:0014095, OMIM 615235.

Allele frequency attached by ClinVar (database versions not stated): gnomAD 0.00001.
gnomAD v4.1: 1 of 1,613,528 alleles (0.000062%); highest among the groups gnomAD compares: Admixed American, 0.0017%; no homozygotes.

Submissions (3):

Ambry Genetics
Classification: Uncertain significance for Cardiovascular phenotype. Last evaluated: 2026-08-31. Review status: criteria provided, single submitter. Criteria: Ambry Variant Classification Scheme 2023. Collection method: clinical testing. Allele origin: germline.
Comment: The p.V1549M variant (also known as c.4645G>A) is located in coding exon 33 of the LAMA4 gene. The valine at codon 1549 is replaced by methionine, an amino acid with highly similar properties. This change occurs in the first base pair of coding exon 33. This amino acid position is conserved. In addition, this alteration is predicted to be deleterious by in silico analysis. Based on the available evidence, the clinical significance of this variant remains unclear.

Genomic Medicine Center of Excellence, King Faisal Specialist Hospital and Research Centre
Classification: Uncertain significance for Dilated cardiomyopathy 1JJ. Last evaluated: 2025-09-10. Review status: criteria provided, single submitter. Criteria: ACMG Guidelines, 2015. Collection method: clinical testing. Allele origin: germline.

Labcorp Genetics (formerly Invitae), Labcorp
Classification: Uncertain significance for Dilated cardiomyopathy 1JJ. Last evaluated: 2022-04-10. Review status: criteria provided, single submitter. Criteria: Invitae Variant Classification Sherloc (09022015). Collection method: clinical testing. Allele origin: germline.
Comment: This variant is not present in population databases (gnomAD no frequency). This variant has not been reported in the literature in individuals affected with LAMA4-related conditions. Algorithms developed to predict the effect of missense changes on protein structure and function are either unavailable or do not agree on the potential impact of this missense change (SIFT: "Deleterious"; PolyPhen-2: "Probably Damaging"; Align-GVGD: "Class C0"). In summary, the available evidence is currently insufficient to determine the role of this variant in disease. Therefore, it has been classified as a Variant of Uncertain Significance. This sequence change replaces valine, which is neutral and non-polar, with methionine, which is neutral and non-polar, at codon 1549 of the LAMA4 protein (p.Val1549Met).

NM_001105206.3(LAMA4):c.4666G>A (p.Val1556Met)

Gene: LAMA4 (laminin subunit alpha 4; minus strand). Cytogenetic location: 6q21.
Variant type: single nucleotide variant.
Coding change: c.4666G>A on transcript NM_001105206.3 (MANE Select); coding-DNA position 4666, G replaced by A.
Protein change: p.Val1556Met; replaces valine 1556 with methionine.
Molecular consequence: missense variant.
Genome position (GRCh38, 1-based): chr6:112,119,311, C>T on the plus strand (G>A on the coding strand, the complement: LAMA4 is on the minus strand). VCF-style: chr6-112119311-C-T. GRCh37 (hg19) VCF-style: chr6-112440514-C-T.
Other names: c.4645G>A, p.Val1549Met (NM_001105207.3, NM_002290.5); short protein forms V1549M, V1556M.
Identifiers: ClinVar variation 1983999 (VCV001983999.6), dbSNP rs1778209458, ClinGen allele CA365368885.
Genomic context (GRCh38, chr6:112,119,311, plus strand): 5'-CTAGGACTCGGAGACCATCAATTACCAGTCGGCCACTGCTCCTTTCTCGAATAAATATCA[C>T]CTGGATGAAGAGAAGGACAATAGCACATCTCAGGTACATTCCAAGATTGCAGAAAAGGCT-3'
Protein context (NP_001098676.2, residues 1546-1566): EKYNDGLWHD[Val1556Met]IFIRERSSGR